The following is an entry in ClinVar:

ClinVar aggregate classification (germline): Uncertain significance (1 of 4 stars; one submission).

Allele frequency attached by ClinVar (database versions not stated): TOPMed below 0.00001.
gnomAD v4.1: 2 of 1,613,160 alleles (0.00012%); highest among the groups gnomAD compares: Admixed American, 0.0017%; no homozygotes.

Submission:

Labcorp Genetics (formerly Invitae), Labcorp
Classification: Uncertain significance. Last evaluated: 2023-04-24. Review status: criteria provided, single submitter. Criteria: Invitae Variant Classification Sherloc (09022015). Collection method: clinical testing. Allele origin: germline.
Comment: In summary, the available evidence is currently insufficient to determine the role of this variant in disease. Therefore, it has been classified as a Variant of Uncertain Significance. An algorithm developed to predict the effect of missense changes on protein structure and function (PolyPhen-2) suggests that this variant is likely to be disruptive. This variant has not been reported in the literature in individuals affected with IFT57-related conditions. This variant is present in population databases (no rsID available, gnomAD 0.003%). This sequence change replaces isoleucine, which is neutral and non-polar, with threonine, which is neutral and polar, at codon 394 of the IFT57 protein (p.Ile394Thr).

NM_018010.4(IFT57):c.1181T>C (p.Ile394Thr)

Gene: IFT57 (intraflagellar transport 57; minus strand). Cytogenetic location: 3q13.12.
Variant type: single nucleotide variant.
Coding change: c.1181T>C on transcript NM_018010.4 (MANE Select); coding-DNA position 1181, T replaced by C.
Protein change: p.Ile394Thr; replaces isoleucine 394 with threonine.
Molecular consequence: missense variant.
Genome position (GRCh38, 1-based): chr3:108,162,586, A>G on the plus strand (T>C on the coding strand, the complement: IFT57 is on the minus strand). VCF-style: chr3-108162586-A-G. GRCh37 (hg19) VCF-style: chr3-107881433-A-G.
Other names: short protein forms I394T.
Identifiers: ClinVar variation 2873078 (VCV002873078.3), dbSNP rs1380665285, ClinGen allele CA353912950.